The following is an entry in ClinVar:

ClinVar aggregate classification (germline): Pathogenic (1 of 4 stars; one submission).

Conditions:
Werner syndrome (WRN). Identifiers: Orphanet 902, MedGen C0043119, MONDO:0010196, OMIM 277700.

Submission:

Labcorp Genetics (formerly Invitae), Labcorp
Classification: Pathogenic for Werner syndrome. Last evaluated: 2023-01-10. Review status: criteria provided, single submitter. Criteria: Invitae Variant Classification Sherloc (09022015). Collection method: clinical testing. Allele origin: germline.
Comment: For these reasons, this variant has been classified as Pathogenic. This variant has not been reported in the literature in individuals affected with WRN-related conditions. This variant is not present in population databases (gnomAD no frequency). This sequence change creates a premature translational stop signal (p.Asp1360*) in the WRN gene. It is expected to result in an absent or disrupted protein product. Loss-of-function variants in WRN are known to be pathogenic (PMID: 16673358).

Literature cited by the submitters: PubMed 16673358.

NM_000553.6(WRN):c.4077dup (p.Asp1360Ter)

Gene: WRN (WRN RecQ like helicase; plus strand). Cytogenetic location: 8p12.
Variant type: Duplication.
Coding change: c.4077dup on transcript NM_000553.6 (MANE Select); coding-DNA position 4077, one base duplicated (T; older notation c.4077dupT).
Protein change: p.Asp1360Ter; replaces aspartic acid 1360 with a stop codon.
Molecular consequence: nonsense.
Genome position (GRCh38, 1-based): chr8:31,167,116, T duplicated. VCF-style (leftmost placement, unchanged base first): chr8-31167115-C-CT. GRCh37 (hg19) VCF-style: chr8-31024631-C-CT.
Other names: short protein forms D1360*.
Identifiers: ClinVar variation 2827478 (VCV002827478.3), dbSNP rs2536081428, ClinGen allele CA2739279223.